The following is an entry in ClinVar:

ClinVar aggregate classification (germline): Uncertain significance. Review status: criteria provided, multiple submitters, no conflicts (2 of 4 stars). 3 submissions from 3 submitters: Uncertain significance (3). Last evaluated 2024-10-19.

Allele frequency attached by ClinVar (database versions not stated): TOPMed 0.00081; ExAC 0.00082; gnomAD exomes 0.00082 and 0.00121; gnomAD 0.00093 and 0.00099; ESP Exome Variant Server 0.00100.
gnomAD v4.1: 1,897 of 1,613,102 alleles (0.12%); highest among the groups gnomAD compares: Non-Finnish European, 0.14%; 2 homozygotes.

Submissions (3):

Ambry Genetics
Classification: Uncertain significance. Last evaluated: 2024-10-19. Review status: criteria provided, single submitter. Criteria: Ambry Variant Classification Scheme 2023. Collection method: clinical testing. Allele origin: germline.

GeneDx
Classification: Uncertain significance. Last evaluated: 2023-04-29. Review status: criteria provided, single submitter. Criteria: GeneDx Variant Classification Process June 2021. Collection method: clinical testing. Allele origin: germline. Affected: yes.
Comment: In silico analysis supports that this missense variant has a deleterious effect on protein structure/function; Has not been previously published as pathogenic or benign to our knowledge

AiLife Diagnostics
Classification: Uncertain significance. Last evaluated: 2021-08-10. Review status: criteria provided, single submitter. Criteria: ACMG Guidelines, 2015. Collection method: clinical testing. Allele origin: germline. Affected: yes. Observed: 1 variant allele.

NM_001308120.2(TOGARAM1):c.3847T>A (p.Cys1283Ser)

Gene: TOGARAM1 (TOG array regulator of axonemal microtubules 1; plus strand). Cytogenetic location: 14q21.2.
Variant type: single nucleotide variant.
Coding change: c.3847T>A on transcript NM_001308120.2 (MANE Select); coding-DNA position 3847, T replaced by A.
Protein change: p.Cys1283Ser; replaces cysteine 1283 with serine.
Molecular consequence: missense variant. On other transcripts: non-coding transcript variant (1).
Genome position (GRCh38, 1-based): chr14:45,043,720, T>A. VCF-style: chr14-45043720-T-A. GRCh37 (hg19) VCF-style: chr14-45512923-T-A.
Other names: c.3847T>A, p.Cys1283Ser (NM_015091.4); c.3847T>A (NM_015091.3, NM_015091.2); short protein forms C1283S.
Identifiers: ClinVar variation 1677421 (VCV001677421.3), dbSNP rs142427599, ClinGen allele CA7167625.
Genomic context (GRCh38, chr14:45,043,720, plus strand): 5'-GATCTTGTCATTTCTTTTTCTCATAGGGAGAAGAAAATTGAGGGACTGAATTTTATTAGA[T>A]GCTTAGCTGCTTTTCATTCTGAGATACTGAACACAAAGTTGCATGAAACAAATTTTGCAG-3'
Protein context (NP_001295049.1, residues 1273-1293): KKIEGLNFIR[Cys1283Ser]LAAFHSEILN